The following is an entry in ClinVar:

ClinVar aggregate classification (germline): Conflicting classifications of pathogenicity. Review status: criteria provided, conflicting classifications (1 of 4 stars). 7 submissions from 7 submitters: Uncertain significance (1); Benign (1); Likely benign (5). Last evaluated 2026-05-01.

Conditions:
Inborn genetic diseases. Identifiers: MedGen C0950123, MeSH D030342.
Hereditary sensory neuropathy-deafness-dementia syndrome. Also called: NEUROPATHY, HEREDITARY SENSORY, WITH HEARING LOSS AND DEMENTIA; HSN IE; Hereditary sensory neuropathy type IE; Hereditary Sensory and Autonomic Neuropathy Type 1E (HSAN1E). Identifiers: Orphanet 456318, MedGen C3279885, MONDO:0013584, OMIM 614116.

Allele frequency attached by ClinVar (database versions not stated): ESP Exome Variant Server 0.00008; gnomAD exomes 0.00010 and 0.00022; TOPMed 0.00010; gnomAD 0.00011; ExAC 0.00018.
gnomAD v4.1: 165 of 1,595,404 alleles (0.01%); highest among the groups gnomAD compares: Non-Finnish European, 0.0023%; 1 homozygote.

Submissions (7):

CeGaT Center for Human Genetics Tuebingen
Classification: Likely benign. Last evaluated: 2026-05-01. Review status: criteria provided, single submitter. Criteria: CeGaT Center For Human Genetics Tuebingen Variant Classification Criteria Version 2. Collection method: clinical testing. Allele origin: germline. Affected: yes. Observed: 1 variant allele.
Comment: DNMT1: BP4, BS2

Labcorp Genetics (formerly Invitae), Labcorp
Classification: Likely benign for Hereditary sensory neuropathy-deafness-dementia syndrome. Last evaluated: 2025-12-28. Review status: criteria provided, single submitter. Criteria: Invitae Variant Classification Sherloc (09022015). Collection method: clinical testing. Allele origin: germline.

Blueprint Genetics
Classification: Likely benign. Last evaluated: 2023-03-29. Review status: criteria provided, single submitter. Criteria: ACMG Guidelines, 2015. Collection method: clinical testing. Allele origin: germline.

GeneDx
Classification: Likely benign. Last evaluated: 2020-12-22. Review status: criteria provided, single submitter. Criteria: GeneDx Variant Classification Process June 2021. Collection method: clinical testing. Allele origin: germline. Affected: yes.

Ambry Genetics
Classification: Likely benign for Inborn genetic diseases. Last evaluated: 2020-01-15. Review status: criteria provided, single submitter. Criteria: Ambry Variant Classification Scheme 2023. Collection method: clinical testing. Allele origin: germline.

ARUP Laboratories, Molecular Genetics and Genomics, ARUP Laboratories
Classification: Uncertain significance. Last evaluated: 2018-02-02. Review status: criteria provided, single submitter. Criteria: ARUP Molecular Germline Variant Investigation Process. Collection method: clinical testing. Allele origin: germline.
Comment: The DNMT1 c.4876G>A; p.Glu1626Lys variant (rs201774098), to our knowledge, is not reported in the medical literature, gene specific variation databases, nor has it been previously identified by our laboratory. This variant is listed in the genome Aggregation Database (gnomAD) with an overall population frequency of 0.02% (identified on 45 out of 211,492 chromosomes) and is classified as a variant of uncertain significance in ClinVar (ID: 246060). The glutamic acid at position 1626 is moderately conserved, considering 12 species and computational analyses of the effects of the p.Glu1626Lys variant on protein structure and function do not predict a deleterious effect (SIFT: tolerated, MutationTaster: polymorphism, PolyPhen-2: benign). Based on the available information, the clinical significance of the p.Glu1626Lys variant cannot be determined with certainty.

Illumina Laboratory Services, Illumina
Classification: Benign for Hereditary sensory neuropathy-deafness-dementia syndrome. Last evaluated: 2018-01-13. Review status: criteria provided, single submitter. Criteria: ICSL Variant Classification Criteria 13 December 2019. Collection method: clinical testing. Allele origin: germline.
Comment: This variant was observed in the ICSL laboratory as part of a predisposition screen in an ostensibly healthy population. It had not been previously curated by ICSL or reported in the Human Gene Mutation Database (HGMD: prior to June 1st, 2018), and was therefore a candidate for classification through an automated scoring system. Utilizing variant allele frequency, disease prevalence and penetrance estimates, and inheritance mode, an automated score was calculated to assess if this variant is too frequent to cause the disease. Based on the score and internal cut-off values, a variant classified as benign is not then subjected to further curation. The score for this variant resulted in a classification of benign for this disease.

NM_001130823.3(DNMT1):c.4876G>A (p.Glu1626Lys)

Gene: DNMT1 (DNA methyltransferase 1; minus strand). Cytogenetic location: 19p13.2.
Variant type: single nucleotide variant.
Coding change: c.4876G>A on transcript NM_001130823.3 (MANE Select); coding-DNA position 4876, G replaced by A.
Protein change: p.Glu1626Lys; replaces glutamic acid 1626 with lysine.
Molecular consequence: missense variant.
Genome position (GRCh38, 1-based): chr19:10,133,690, C>T on the plus strand (G>A on the coding strand, the complement: DNMT1 is on the minus strand). VCF-style: chr19-10133690-C-T. GRCh37 (hg19) VCF-style: chr19-10244366-C-T.
Other names: c.4876G>A (LRG_362t1); c.4837G>A, p.Glu1613Lys (NM_001318730.2); c.4513G>A, p.Glu1505Lys (NM_001318731.2); c.4828G>A, p.Glu1610Lys (NM_001379.4); short protein forms E1626K, E1613K, E1505K, E1610K.
Identifiers: ClinVar variation 246060 (VCV000246060.28), dbSNP rs201774098, ClinGen allele CA9187360.